The following is an entry in ClinVar:

ClinVar aggregate classification (germline): Uncertain significance. Review status: criteria provided, multiple submitters, no conflicts (2 of 4 stars). 2 submissions from 2 submitters: Uncertain significance (2). Last evaluated 2025-11-26.

Conditions:
Inborn genetic diseases. Identifiers: MedGen C0950123, MeSH D030342.

Submissions (2):

Ambry Genetics
Classification: Uncertain significance for Inborn genetic diseases. Last evaluated: 2025-11-26. Review status: criteria provided, single submitter. Criteria: Ambry Variant Classification Scheme 2023. Collection method: clinical testing. Allele origin: germline.

Labcorp Genetics (formerly Invitae), Labcorp
Classification: Uncertain significance. Last evaluated: 2024-08-31. Review status: criteria provided, single submitter. Criteria: Invitae Variant Classification Sherloc (09022015). Collection method: clinical testing. Allele origin: germline.
Comment: This sequence change replaces glycine, which is neutral and non-polar, with alanine, which is neutral and non-polar, at codon 330 of the KMT2B protein (p.Gly330Ala). This variant is not present in population databases (gnomAD no frequency). This variant has not been reported in the literature in individuals affected with KMT2B-related conditions. Invitae Evidence Modeling of protein sequence and biophysical properties (such as structural, functional, and spatial information, amino acid conservation, physicochemical variation, residue mobility, and thermodynamic stability) indicates that this missense variant is not expected to disrupt KMT2B protein function with a negative predictive value of 80%. In summary, the available evidence is currently insufficient to determine the role of this variant in disease. Therefore, it has been classified as a Variant of Uncertain Significance.

NM_014727.3(KMT2B):c.989G>C (p.Gly330Ala)

Gene: KMT2B (lysine methyltransferase 2B; plus strand). Cytogenetic location: 19q13.12.
Variant type: single nucleotide variant.
Coding change: c.989G>C on transcript NM_014727.3 (MANE Select); coding-DNA position 989, G replaced by C.
Protein change: p.Gly330Ala; replaces glycine 330 with alanine.
Molecular consequence: missense variant.
Genome position (GRCh38, 1-based): chr19:35,720,336, G>C. VCF-style: chr19-35720336-G-C. GRCh37 (hg19) VCF-style: chr19-36211238-G-C.
Other names: c.989G>C (NM_014727.1); short protein forms G330A.
Identifiers: ClinVar variation 3694757 (VCV003694757.3).
Genomic context (GRCh38, chr19:35,720,336, plus strand): 5'-GGGCCAAAAAAGTAAAGATGGGACAATTGTCCTTGGGACTCGAATCAGGTCAAGGTCAAG[G>C]TCAACATGAGGAAAGTTGGCAGGATGTCCCCCAAAGAAGAGTTGGATCTGGACAGGGAGG-3'
Protein context (NP_055542.1, residues 320-340): SLGLESGQGQ[Gly330Ala]QHEESWQDVP